The following is an entry in ClinVar:

NM_024675.4(PALB2):c.957T>C (p.Ser319=)

Gene: PALB2 (partner and localizer of BRCA2; minus strand). Cytogenetic location: 16p12.2.
Variant type: single nucleotide variant.
Coding change: c.957T>C on transcript NM_024675.4 (MANE Select); coding-DNA position 957, T replaced by C.
Protein change: p.Ser319=; no amino-acid change (serine 319 retained).
Molecular consequence: synonymous variant.
Genome position (GRCh38, 1-based): chr16:23,635,589, A>G on the plus strand (T>C on the coding strand, the complement: PALB2 is on the minus strand). VCF-style: chr16-23635589-A-G. GRCh37 (hg19) VCF-style: chr16-23646910-A-G.
Identifiers: ClinVar variation 186605 (VCV000186605.12), dbSNP rs786203082, ClinGen allele CA195301.

ClinVar aggregate classification (germline): Benign/Likely benign. Review status: criteria provided, multiple submitters, no conflicts (2 of 4 stars). 4 submissions from 4 submitters: Benign (1); Likely benign (3). Last evaluated 2025-09-30.

Conditions:
Hereditary cancer-predisposing syndrome. Also called: Neoplastic Syndromes, Hereditary; Tumor predisposition; Hereditary Cancer Syndrome; Hereditary neoplastic syndrome. Identifiers: Orphanet 140162, MedGen C0027672, MeSH D009386, MONDO:0015356.
Familial cancer of breast. Also called: BREAST CANCER, FAMILIAL; Hereditary breast cancer; hereditary breast carcinoma. Identifiers: Orphanet 227535, MedGen C0346153, MONDO:0016419, OMIM 114480. Disease mechanism: loss of function.

Submissions (4):

Labcorp Genetics (formerly Invitae), Labcorp
Classification: Likely benign for Familial cancer of breast. Last evaluated: 2025-09-30. Review status: criteria provided, single submitter. Criteria: Invitae Variant Classification Sherloc (09022015). Collection method: clinical testing. Allele origin: germline.

Myriad Genetics, Inc.
Classification: Benign for Familial cancer of breast. Last evaluated: 2025-01-13. Review status: criteria provided, single submitter. Criteria: Myriad Autosomal Dominant, Autosomal Recessive and X-Linked Classification Criteria (2023). Collection method: clinical testing. Allele origin: unknown.
Comment: This variant is considered benign. This variant is a silent/synonymous amino acid change and it is not expected to impact splicing.

Sema4
Classification: Likely benign for Hereditary cancer-predisposing syndrome. Last evaluated: 2022-01-18. Review status: criteria provided, single submitter. Criteria: Sema4 Curation Guidelines. Collection method: curation. Allele origin: germline.

Ambry Genetics
Classification: Likely benign for Hereditary cancer-predisposing syndrome. Last evaluated: 2014-10-14. Review status: criteria provided, single submitter. Criteria: Ambry Variant Classification Scheme 2023. Collection method: clinical testing. Allele origin: germline.